The following is an entry in ClinVar:

NM_003227.4(TFR2):c.286+9C>T

Gene: TFR2 (transferrin receptor 2; minus strand). Cytogenetic location: 7q22.1.
Variant type: single nucleotide variant.
Coding change: c.286+9C>T on transcript NM_003227.4 (MANE Select); 9 bases into the intron after coding-DNA position 286, C replaced by T.
Molecular consequence: intron variant.
Genome position (GRCh38, 1-based): chr7:100,640,967, G>A on the plus strand (C>T on the coding strand, the complement: TFR2 is on the minus strand). VCF-style: chr7-100640967-G-A. GRCh37 (hg19) VCF-style: chr7-100238590-G-A.
Other names: c.286+9C>T (NM_003227.3).
Identifiers: ClinVar variation 1091335 (VCV001091335.10), dbSNP rs1205031107, ClinGen allele CA576714017.
Genomic context (GRCh38, chr7:100,640,967, plus strand): 5'-CCACCTCTGGACCCCAGAAATCTCCCCCAGCCCAAGCCCTTCACTTCTGGGGAGGGGGAC[G>A]GCTCTCACCCCCAGTGAAGATCAGCAGGGCCGTCAGGACCAGGTAGGGGGCAGCCCTCCG-3'

ClinVar aggregate classification (germline): Likely benign. Review status: criteria provided, multiple submitters, no conflicts (2 of 4 stars). 2 submissions from 2 submitters: Likely benign (2). Last evaluated 2025-11-27.

Conditions:
Hereditary hemochromatosis (HFE). Identifiers: MedGen C0392514, MONDO:0006507. Disease mechanism: loss of function.
TFR2-related disorder. Also called: TFR2-related condition.

Allele frequency attached by ClinVar (database versions not stated): gnomAD exomes below 0.00001 and 0.00002; gnomAD 0.00001; TOPMed 0.00001.
gnomAD v4.1: 30 of 1,611,830 alleles (0.0019%); highest among the groups gnomAD compares: Middle Eastern, 0.016%; no homozygotes.

Submissions (2):

Labcorp Genetics (formerly Invitae), Labcorp
Classification: Likely benign for Hereditary hemochromatosis. Last evaluated: 2025-11-27. Review status: criteria provided, single submitter. Criteria: Invitae Variant Classification Sherloc (09022015). Collection method: clinical testing. Allele origin: germline.

PreventionGenetics, part of Exact Sciences
Classification: Likely benign for TFR2-related condition. Last evaluated: 2025-05-06. Review status: criteria provided, single submitter. Criteria: ACMG Guidelines, 2015. Collection method: clinical testing. Allele origin: germline.
Comment: This variant is classified as likely benign based on ACMG/AMP sequence variant interpretation guidelines (Richards et al. 2015 PMID: 25741868, with internal and published modifications).